The following is an entry in ClinVar:

NM_144585.4(SLC22A12):c.1612G>A (p.Ala538Thr)

Gene: SLC22A12 (solute carrier family 22 member 12; plus strand). Cytogenetic location: 11q13.1.
Variant type: single nucleotide variant.
Coding change: c.1612G>A on transcript NM_144585.4 (MANE Select); coding-DNA position 1612, G replaced by A.
Protein change: p.Ala538Thr; replaces alanine 538 with threonine.
Molecular consequence: missense variant.
Genome position (GRCh38, 1-based): chr11:64,601,501, G>A. VCF-style: chr11-64601501-G-A. GRCh37 (hg19) VCF-style: chr11-64368973-G-A.
Other names: c.1612G>A (NM_144585.2); c.1510G>A, p.Ala504Thr (NM_001276326.2); c.1288G>A, p.Ala430Thr (NM_001276327.2); c.949G>A, p.Ala317Thr (NM_153378.3); short protein forms A538T, A317T, A504T, A430T.
Identifiers: ClinVar variation 305249 (VCV000305249.12), dbSNP rs199535450, ClinGen allele CA6077521.

ClinVar aggregate classification (germline): Uncertain significance. Review status: criteria provided, multiple submitters, no conflicts (2 of 4 stars). 6 submissions from 6 submitters: Uncertain significance (6). Last evaluated 2026-03-22.

Conditions:
Inborn genetic diseases. Identifiers: MedGen C0950123, MeSH D030342.
SLC22A12-related disorder. Also called: SLC22A12-related condition.
Dalmatian hypouricemia (RHUC1). Identifiers: MedGen C0473219, MONDO:0020728, OMIM 220150.

Allele frequency attached by ClinVar (database versions not stated): 1000 Genomes Project 0.00020; ESP Exome Variant Server 0.00023; gnomAD exomes 0.00028 and 0.00041; 1000 Genomes Project 30x 0.00031; ExAC 0.00032; TOPMed 0.00041; gnomAD 0.00043 and 0.00044.
gnomAD v4.1: 664 of 1,613,822 alleles (0.041%); highest among the groups gnomAD compares: Admixed American, 0.052%; no homozygotes.

Submissions (6):

PreventionGenetics, part of Exact Sciences
Classification: Uncertain significance for SLC22A12-related condition. Last evaluated: 2026-03-22. Review status: criteria provided, single submitter. Criteria: ACMG Guidelines, 2015. Collection method: clinical testing. Allele origin: germline.
Comment: The SLC22A12 c.1612G>A variant is predicted to result in the amino acid substitution p.Ala538Thr. To our knowledge, this variant has not been reported in the literature. This variant is reported in 0.057% of alleles in individuals of Latino descent in gnomAD. Although we suspect that this variant may be benign, at this time, the clinical significance of this variant is uncertain due to the absence of conclusive functional and genetic evidence.

Ambry Genetics
Classification: Uncertain significance for Inborn genetic diseases. Last evaluated: 2024-06-22. Review status: criteria provided, single submitter. Criteria: Ambry Variant Classification Scheme 2023. Collection method: clinical testing. Allele origin: germline.

GeneDx
Classification: Uncertain significance. Last evaluated: 2024-06-03. Review status: criteria provided, single submitter. Criteria: GeneDx Variant Classification Process June 2021. Collection method: clinical testing. Allele origin: germline. Affected: yes.
Comment: In silico analysis indicates that this missense variant does not alter protein structure/function; Has not been previously published as pathogenic or benign to our knowledge

Labcorp Genetics (formerly Invitae), Labcorp
Classification: Uncertain significance. Last evaluated: 2022-04-09. Review status: criteria provided, single submitter. Criteria: Invitae Variant Classification Sherloc (09022015). Collection method: clinical testing. Allele origin: germline.
Comment: This sequence change replaces alanine, which is neutral and non-polar, with threonine, which is neutral and polar, at codon 538 of the SLC22A12 protein (p.Ala538Thr). This variant is present in population databases (rs199535450, gnomAD 0.06%). This variant has not been reported in the literature in individuals affected with SLC22A12-related conditions. ClinVar contains an entry for this variant (Variation ID: 305249). Algorithms developed to predict the effect of missense changes on protein structure and function output the following: SIFT: "Tolerated"; PolyPhen-2: "Benign"; Align-GVGD: "Class C0". The threonine amino acid residue is found in multiple mammalian species, which suggests that this missense change does not adversely affect protein function. In summary, the available evidence is currently insufficient to determine the role of this variant in disease. Therefore, it has been classified as a Variant of Uncertain Significance.

Fulgent Genetics
Classification: Uncertain significance for Dalmatian hypouricemia. Last evaluated: 2022-04-01. Review status: criteria provided, single submitter. Criteria: ACMG Guidelines, 2015. Collection method: clinical testing. Allele origin: unknown.

Illumina Laboratory Services, Illumina
Classification: Uncertain significance for Dalmatian hypouricemia. Last evaluated: 2018-01-12. Review status: criteria provided, single submitter. Criteria: ICSL Variant Classification Criteria 13 December 2019. Collection method: clinical testing. Allele origin: germline.